The following is an entry in ClinVar:

NM_000393.5(COL5A2):c.4144A>G (p.Thr1382Ala)

Gene: COL5A2 (collagen type V alpha 2 chain; minus strand). Cytogenetic location: 2q32.2.
Variant type: single nucleotide variant.
Coding change: c.4144A>G on transcript NM_000393.5 (MANE Select); coding-DNA position 4144, A replaced by G.
Protein change: p.Thr1382Ala; replaces threonine 1382 with alanine.
Molecular consequence: missense variant.
Genome position (GRCh38, 1-based): chr2:189,035,125, T>C on the plus strand (A>G on the coding strand, the complement: COL5A2 is on the minus strand). VCF-style: chr2-189035125-T-C. GRCh37 (hg19) VCF-style: chr2-189899851-T-C.
Other names: short protein forms T1382A.
Identifiers: ClinVar variation 1211021 (VCV001211021.10), dbSNP rs370026245, ClinGen allele CA2021837.

ClinVar aggregate classification (germline): Conflicting classifications of pathogenicity. Review status: criteria provided, conflicting classifications (1 of 4 stars). 3 submissions from 3 submitters: Uncertain significance (1); Likely benign (2). Last evaluated 2025-09-13.

Conditions:
Ehlers-Danlos syndrome, classic type, 1 (EDSCL1). Also called: EHLERS-DANLOS SYNDROME, GRAVIS TYPE; EHLERS-DANLOS SYNDROME, SEVERE CLASSIC TYPE; Ehlers-Danlos syndrome, type 1; Ehlers-Danlos Syndrome, Classic Type, COL5A1-Related; EDS I. Identifiers: MedGen C0268335, MONDO:0019567, OMIM 130000.
Familial thoracic aortic aneurysm and aortic dissection (TAAD). Also called: Thoracic aortic aneurysms and dissections. Identifiers: Orphanet 91387, MedGen C4707243, MONDO:0019625.

Allele frequency attached by ClinVar (database versions not stated): ExAC 0.00001; gnomAD 0.00001; gnomAD exomes 0.00001 and 0.00002; TOPMed 0.00001; ESP Exome Variant Server 0.00008.
gnomAD v4.1: 24 of 1,613,766 alleles (0.0015%); highest among the groups gnomAD compares: Non-Finnish European, 0.0019%; no homozygotes.

Submissions (3):

Labcorp Genetics (formerly Invitae), Labcorp
Classification: Likely benign for Ehlers-Danlos syndrome, classic type, 1. Last evaluated: 2025-09-13. Review status: criteria provided, single submitter. Criteria: Invitae Variant Classification Sherloc (09022015). Collection method: clinical testing. Allele origin: germline.

Ambry Genetics
Classification: Likely benign for Familial thoracic aortic aneurysm and aortic dissection. Last evaluated: 2025-05-22. Review status: criteria provided, single submitter. Criteria: Ambry Variant Classification Scheme 2023. Collection method: clinical testing. Allele origin: germline.

GeneDx
Classification: Uncertain significance. Last evaluated: 2021-05-19. Review status: criteria provided, single submitter. Criteria: GeneDx Variant Classification Process June 2021. Collection method: clinical testing. Allele origin: germline. Affected: yes.
Comment: Not observed at a significant frequency in large population cohorts (Lek et al., 2016); In silico analysis supports that this missense variant does not alter protein structure/function; Has not been previously published as pathogenic or benign to our knowledge